The following is an entry in ClinVar:

ClinVar aggregate classification (germline): Uncertain significance. Review status: criteria provided, multiple submitters, no conflicts (2 of 4 stars). 3 submissions from 3 submitters: Uncertain significance (3). Last evaluated 2022-08-16.

Conditions:
Axenfeld-Rieger syndrome type 3 (RIEG3). Also called: AXENFELD-RIEGER ANOMALY WITH CARDIAC DEFECTS AND/OR SENSORINEURAL HEARING LOSS. Identifiers: Orphanet 782, MedGen C2678503, MONDO:0011233, OMIM 602482.
Anterior segment dysgenesis 3 (ASGD3). Also called: Glaucoma iridogoniodysplasia, familial; IRIDOGONIODYSGENESIS ANOMALY, AUTOSOMAL DOMINANT. Identifiers: Orphanet 91483, MedGen C5975707, MONDO:0024456, OMIM 601631.

Allele frequency attached by ClinVar (database versions not stated): gnomAD exomes below 0.00001.

Submissions (3):

Labcorp Genetics (formerly Invitae), Labcorp
Classification: Uncertain significance for Axenfeld-Rieger syndrome type 3. Last evaluated: 2022-08-16. Review status: criteria provided, single submitter. Criteria: Invitae Variant Classification Sherloc (09022015). Collection method: clinical testing. Allele origin: germline.
Comment: ClinVar contains an entry for this variant (Variation ID: 1175734). This sequence change replaces proline, which is neutral and non-polar, with serine, which is neutral and polar, at codon 534 of the FOXC1 protein (p.Pro534Ser). This variant is present in population databases (no rsID available, gnomAD 0.003%). This variant has not been reported in the literature in individuals affected with FOXC1-related conditions. Algorithms developed to predict the effect of missense changes on protein structure and function are either unavailable or do not agree on the potential impact of this missense change (SIFT: "Tolerated"; PolyPhen-2: "Probably Damaging"; Align-GVGD: "Class C0"). In summary, the available evidence is currently insufficient to determine the role of this variant in disease. Therefore, it has been classified as a Variant of Uncertain Significance.

Fulgent Genetics
Classification: Uncertain significance for Anterior segment dysgenesis 3; Axenfeld-Rieger syndrome type 3. Last evaluated: 2022-01-10. Review status: criteria provided, single submitter. Criteria: ACMG Guidelines, 2015. Collection method: clinical testing. Allele origin: unknown.

CeGaT Center for Human Genetics Tuebingen
Classification: Uncertain significance. Last evaluated: 2021-06-01. Review status: criteria provided, single submitter. Criteria: CeGaT Center For Human Genetics Tuebingen Variant Classification Criteria Version 2. Collection method: clinical testing. Allele origin: germline. Affected: yes. Observed: 1 variant allele.

NM_001453.3(FOXC1):c.1600C>T (p.Pro534Ser)

Gene: FOXC1 (forkhead box C1; plus strand). Cytogenetic location: 6p25.3.
Variant type: single nucleotide variant.
Coding change: c.1600C>T on transcript NM_001453.3 (MANE Select); coding-DNA position 1600, C replaced by T.
Protein change: p.Pro534Ser; replaces proline 534 with serine.
Molecular consequence: missense variant.
Genome position (GRCh38, 1-based): chr6:1,612,045, C>T. VCF-style: chr6-1612045-C-T. GRCh37 (hg19) VCF-style: chr6-1612280-C-T.
Other names: short protein forms P534S.
Identifiers: ClinVar variation 1175734 (VCV001175734.41), dbSNP rs1481638796, ClinGen allele CA362561278.